The following is an entry in ClinVar:

ClinVar aggregate classification (germline): Uncertain significance. Review status: criteria provided, multiple submitters, no conflicts (2 of 4 stars). 2 submissions from 2 submitters: Uncertain significance (2). Last evaluated 2025-07-21.

Conditions:
POLD1-related polyposis and colorectal cancer syndrome (CRCS10). Also called: Colorectal cancer, susceptibility to, 10; Colorectal cancer 10; COLORECTAL CANCER, SUSCEPTIBILITY TO, ON CHROMOSOME 19q. Identifiers: Orphanet 220460, MedGen C2675481, MONDO:0012953, OMIM 612591.
Hereditary cancer-predisposing syndrome. Also called: Tumor predisposition; Hereditary Cancer Syndrome; Hereditary neoplastic syndrome; Neoplastic Syndromes, Hereditary. Identifiers: Orphanet 140162, MedGen C0027672, MeSH D009386, MONDO:0015356.

Submissions (2):

Labcorp Genetics (formerly Invitae), Labcorp
Classification: Uncertain significance for POLD1-related polyposis and colorectal cancer syndrome. Last evaluated: 2025-07-21. Review status: criteria provided, single submitter. Criteria: Invitae Variant Classification Sherloc (09022015). Collection method: clinical testing. Allele origin: germline.
Comment: This sequence change replaces glycine, which is neutral and non-polar, with valine, which is neutral and non-polar, at codon 1100 of the POLD1 protein (p.Gly1100Val). This variant is not present in population databases (gnomAD no frequency). This variant has not been reported in the literature in individuals affected with POLD1-related conditions. ClinVar contains an entry for this variant (Variation ID: 1403248). Invitae Evidence Modeling of protein sequence and biophysical properties (such as structural, functional, and spatial information, amino acid conservation, physicochemical variation, residue mobility, and thermodynamic stability) indicates that this missense variant is not expected to disrupt POLD1 protein function with a negative predictive value of 80%. In summary, the available evidence is currently insufficient to determine the role of this variant in disease. Therefore, it has been classified as a Variant of Uncertain Significance.

Ambry Genetics
Classification: Uncertain significance for Hereditary cancer-predisposing syndrome. Last evaluated: 2022-12-09. Review status: criteria provided, single submitter. Criteria: Ambry Variant Classification Scheme 2023. Collection method: clinical testing. Allele origin: germline.
Comment: The p.G1100V variant (also known as c.3299G>T), located in coding exon 26 of the POLD1 gene, results from a G to T substitution at nucleotide position 3299. The glycine at codon 1100 is replaced by valine, an amino acid with dissimilar properties. This amino acid position is conserved. In addition, this alteration is predicted to be tolerated by in silico analysis. Since supporting evidence is limited at this time, the clinical significance of this alteration remains unclear.

NM_002691.4(POLD1):c.3299G>T (p.Gly1100Val)

Gene: POLD1 (DNA polymerase delta 1, catalytic subunit; plus strand). Cytogenetic location: 19q13.33.
Variant type: single nucleotide variant.
Coding change: c.3299G>T on transcript NM_002691.4 (MANE Select); coding-DNA position 3299, G replaced by T.
Protein change: p.Gly1100Val; replaces glycine 1100 with valine.
Molecular consequence: missense variant. On other transcripts: non-coding transcript variant (1).
Genome position (GRCh38, 1-based): chr19:50,417,922, G>T. VCF-style: chr19-50417922-G-T. GRCh37 (hg19) VCF-style: chr19-50921179-G-T.
Other names: c.3299G>T (NM_002691.2); c.3299G>T, p.Gly1100Val (NM_001256849.1); c.3377G>T, p.Gly1126Val (NM_001308632.1); short protein forms G1126V, G1100V.
Identifiers: ClinVar variation 1403248 (VCV001403248.9), dbSNP rs2122522904, ClinGen allele CA406987867.